The following is an entry in ClinVar:

NM_004218.4(RAB11B):c.569_570delinsGT (p.Ser190Cys)

Gene: RAB11B (RAB11B, member RAS oncogene family; plus strand). Cytogenetic location: 19p13.2.
Variant type: Indel.
Coding change: c.569_570delinsGT on transcript NM_004218.4 (MANE Select); coding-DNA positions 569 to 570, CC replaced by GT.
Protein change: p.Ser190Cys; replaces serine 190 with cysteine.
Molecular consequence: missense variant.
Genome position (GRCh38, 1-based): chr19:8,403,470-8,403,471, CC replaced by GT. VCF-style: chr19-8403470-CC-GT. GRCh37 (hg19) VCF-style: chr19-8468354-CC-GT.
Other names: short protein forms S190C.
Identifiers: ClinVar variation 3717918 (VCV003717918.2).

ClinVar aggregate classification (germline): Uncertain significance (1 of 4 stars; one submission).

Submission:

Labcorp Genetics (formerly Invitae), Labcorp
Classification: Uncertain significance. Last evaluated: 2024-10-27. Review status: criteria provided, single submitter. Criteria: Invitae Variant Classification Sherloc (09022015). Collection method: clinical testing. Allele origin: germline.
Comment: This sequence change replaces serine, which is neutral and polar, with cysteine, which is neutral and slightly polar, at codon 190 of the RAB11B protein (p.Ser190Cys). This variant is present in population databases (no rsID available, gnomAD 0.001%). This variant has not been reported in the literature in individuals affected with RAB11B-related conditions. An algorithm developed to predict the effect of missense changes on protein structure and function (PolyPhen-2) suggests that this variant is likely to be disruptive. In summary, the available evidence is currently insufficient to determine the role of this variant in disease. Therefore, it has been classified as a Variant of Uncertain Significance.